The following is an entry in ClinVar:

NM_001283009.2(RTEL1):c.2557-2A>G

Genes: RTEL1 (regulator of telomere elongation helicase 1; plus strand), RTEL1-TNFRSF6B (RTEL1-TNFRSF6B readthrough (NMD candidate); plus strand). Cytogenetic location: 20q13.33.
Variant type: single nucleotide variant.
Coding change: c.2557-2A>G on transcript NM_001283009.2 (MANE Select); the canonical splice acceptor site of the intron before coding-DNA position 2557, A replaced by G.
Molecular consequence: splice acceptor variant.
Genome position (GRCh38, 1-based): chr20:63,691,740, A>G. VCF-style: chr20-63691740-A-G. GRCh37 (hg19) VCF-style: chr20-62323093-A-G.
Other names: c.1888-2A>G (NM_001283010.1); c.2629-2A>G (NM_032957.5); c.2557-2A>G (NM_016434.4).
Identifiers: ClinVar variation 1984717 (VCV001984717.5), dbSNP rs2517154868, ClinGen allele CA409682190.

ClinVar aggregate classification (germline): Likely pathogenic. Review status: criteria provided, multiple submitters, no conflicts (2 of 4 stars). 2 submissions from 2 submitters: Likely pathogenic (2). Last evaluated 2023-12-12.

Conditions:
Dyskeratosis congenita, autosomal recessive 5 (DKCB5). Identifiers: MedGen C3554656, MONDO:0014076, OMIM 615190.
Pulmonary fibrosis and/or bone marrow failure, Telomere-related, 3. Also called: PULMONARY FIBROSIS AND/OR BONE MARROW FAILURE SYNDROME, TELOMERE-RELATED, 3. Identifiers: Orphanet 2032, MedGen C4225346, MONDO:0014613, OMIM 616373.

Submissions (2):

Labcorp Genetics (formerly Invitae), Labcorp
Classification: Likely pathogenic for Dyskeratosis congenita, autosomal recessive 5; Pulmonary fibrosis and/or bone marrow failure, Telomere-related, 3. Last evaluated: 2023-12-12. Review status: criteria provided, single submitter. Criteria: Invitae Variant Classification Sherloc (09022015). Collection method: clinical testing. Allele origin: germline.
Comment: This sequence change affects an acceptor splice site in intron 27 of the RTEL1 gene. It is expected to disrupt RNA splicing. Variants that disrupt the donor or acceptor splice site typically lead to a loss of protein function (PMID: 16199547), and loss-of-function variants in RTEL1 are known to be pathogenic (PMID: 23453664, 23959892, 25607374). This variant is not present in population databases (gnomAD no frequency). This variant has not been reported in the literature in individuals affected with RTEL1-related conditions. ClinVar contains an entry for this variant (Variation ID: 1984717). Algorithms developed to predict the effect of sequence changes on RNA splicing suggest that this variant may disrupt the consensus splice site. In summary, the currently available evidence indicates that the variant is pathogenic, but additional data are needed to prove that conclusively. Therefore, this variant has been classified as Likely Pathogenic.

Baylor Genetics
Classification: Likely pathogenic for Dyskeratosis congenita, autosomal recessive 5. Last evaluated: 2023-07-20. Review status: criteria provided, single submitter. Criteria: ACMG Guidelines, 2015. Collection method: clinical testing. Allele origin: unknown.

Literature cited by the submitters: PubMed 16199547 (cited by Labcorp Genetics (formerly Invitae), Labcorp); PubMed 23453664 (cited by Labcorp Genetics (formerly Invitae), Labcorp); PubMed 23959892 (cited by Labcorp Genetics (formerly Invitae), Labcorp); PubMed 25607374 (cited by Labcorp Genetics (formerly Invitae), Labcorp).